The following is an entry in ClinVar:

ClinVar aggregate classification (germline): Uncertain significance (1 of 4 stars; one submission).

gnomAD v4.1: 61 of 1,613,936 alleles (0.0038%); highest among the groups gnomAD compares: Non-Finnish European, 0.0049%; no homozygotes.

Submission:

Women's Health and Genetics/Laboratory Corporation of America, LabCorp
Classification: Uncertain significance. Last evaluated: 2025-10-08. Review status: criteria provided, single submitter. Criteria: LabCorp Variant Classification Summary - May 2015. Collection method: clinical testing. Allele origin: germline.
Comment: Variant summary: TET3 c.742G>A (p.Ala248Thr) results in a non-conservative amino acid change in the encoded protein sequence. Algorithms developed to predict the effect of missense changes on protein structure and function are either unavailable or do not agree on the potential impact of this missense change. The variant allele was found at a frequency of 1.6e-05 in 248942 control chromosomes. The available data on variant occurrences in the general population are insufficient to allow any conclusion about variant significance. To our knowledge, no occurrence of c.742G>A in individuals affected with TET3-related conditions and no experimental evidence demonstrating its impact on protein function have been reported. No submitters have cited clinical-significance assessments for this variant to ClinVar. Based on the evidence outlined above, the variant was classified as uncertain significance.

NM_001287491.2(TET3):c.742G>A (p.Ala248Thr)

Gene: TET3 (tet methylcytosine dioxygenase 3; plus strand). Cytogenetic location: 2p13.1.
Variant type: single nucleotide variant.
Coding change: c.742G>A on transcript NM_001287491.2 (MANE Select); coding-DNA position 742, G replaced by A.
Protein change: p.Ala248Thr; replaces alanine 248 with threonine.
Molecular consequence: missense variant.
Genome position (GRCh38, 1-based): chr2:74,046,659, G>A. VCF-style: chr2-74046659-G-A. GRCh37 (hg19) VCF-style: chr2-74273786-G-A.
Other names: c.463G>A, p.Ala155Thr (NM_001366022.1); short protein forms A155T, A248T.
Identifiers: ClinVar variation 4687449 (VCV004687449.1).